The following is an entry in ClinVar:

ClinVar aggregate classification (germline): Uncertain significance (1 of 4 stars; one submission).

Submission:

Labcorp Genetics (formerly Invitae), Labcorp
Classification: Uncertain significance. Last evaluated: 2024-04-17. Review status: criteria provided, single submitter. Criteria: Invitae Variant Classification Sherloc (09022015). Collection method: clinical testing. Allele origin: germline.
Comment: This sequence change replaces glutamic acid, which is acidic and polar, with aspartic acid, which is acidic and polar, at codon 2549 of the CDH23 protein (p.Glu2549Asp). This variant is not present in population databases (gnomAD no frequency). This variant has not been reported in the literature in individuals affected with CDH23-related conditions. ClinVar contains an entry for this variant (Variation ID: 1467629). Advanced modeling of protein sequence and biophysical properties (such as structural, functional, and spatial information, amino acid conservation, physicochemical variation, residue mobility, and thermodynamic stability) performed at Invitae indicates that this missense variant is not expected to disrupt CDH23 protein function with a negative predictive value of 95%. In summary, the available evidence is currently insufficient to determine the role of this variant in disease. Therefore, it has been classified as a Variant of Uncertain Significance.

NM_022124.6(CDH23):c.7647G>C (p.Glu2549Asp)

Gene: CDH23 (cadherin related 23; plus strand). Cytogenetic location: 10q22.1.
Variant type: single nucleotide variant.
Coding change: c.7647G>C on transcript NM_022124.6 (MANE Select); coding-DNA position 7647, G replaced by C.
Protein change: p.Glu2549Asp; replaces glutamic acid 2549 with aspartic acid.
Molecular consequence: missense variant.
Genome position (GRCh38, 1-based): chr10:71,803,062, G>C. VCF-style: chr10-71803062-G-C. GRCh37 (hg19) VCF-style: chr10-73562819-G-C.
Other names: c.927G>C, p.Glu309Asp (NM_001171933.1, NM_001171934.1); short protein forms E2549D, E309D.
Identifiers: ClinVar variation 1467629 (VCV001467629.7), dbSNP rs765181452, ClinGen allele CA377160956.